The following is an entry in ClinVar:

ClinVar aggregate classification (germline): Pathogenic/Likely pathogenic. Review status: criteria provided, multiple submitters, no conflicts (2 of 4 stars). 4 submissions from 4 submitters: Pathogenic (1); Likely pathogenic (3). Last evaluated 2024-08-28.

Conditions:
ALG6-congenital disorder of glycosylation 1C (CDG1C). Also called: CDG Ic; Congenital disorder of glycosylation type 1C; CARBOHYDRATE-DEFICIENT GLYCOPROTEIN SYNDROME, TYPE I, WITH DEFICIENT GLYCOSYLATION OF DOLICHOL-LINKED OLIGOSACCHARIDE; CARBOHYDRATE-DEFICIENT GLYCOPROTEIN SYNDROME, TYPE V; Congenital disorder of glycosylation, type Ic. Identifiers: Orphanet 79320, MedGen C2930997, MONDO:0011291, OMIM 603147.

Allele frequency attached by ClinVar (database versions not stated): ExAC 0.00001; gnomAD 0.00003; TOPMed 0.00004; ESP Exome Variant Server 0.00008.

Submissions (4):

Natera, Inc.
Classification: Likely pathogenic for Congenital disorder of glycosylation type 1c. Last evaluated: 2024-08-28. Review status: criteria provided, single submitter. Criteria: Natera Variant Classification Schema (03/2026). Collection method: clinical testing. Allele origin: germline.
Comment: The c.1249delC variant in ALG6 is a frameshift variant predicted to shift the reading frame beginning at codon 417 and leads to a stop codon 2 codons downstream. This variant is expected to result in nonsense mediated decay, truncation, or a dysfunctional protein product. This variant is rare in the general population with a frequency below the threshold expected for the associated phenotype(s). Given the available evidence, this variant is classified as Likely Pathogenic.

Baylor Genetics
Classification: Likely pathogenic for ALG6-congenital disorder of glycosylation 1C. Last evaluated: 2024-03-27. Review status: criteria provided, single submitter. Criteria: ACMG Guidelines, 2015. Collection method: clinical testing. Allele origin: unknown.

Labcorp Genetics (formerly Invitae), Labcorp
Classification: Pathogenic for ALG6-congenital disorder of glycosylation 1C. Last evaluated: 2024-03-01. Review status: criteria provided, single submitter. Criteria: Invitae Variant Classification Sherloc (09022015). Collection method: clinical testing. Allele origin: germline.
Comment: This sequence change creates a premature translational stop signal (p.Gln417Serfs*2) in the ALG6 gene. It is expected to result in an absent or disrupted protein product. Loss-of-function variants in ALG6 are known to be pathogenic (PMID: 19862844). This variant is present in population databases (rs771069984, gnomAD 0.008%). This variant has not been reported in the literature in individuals affected with ALG6-related conditions. ClinVar contains an entry for this variant (Variation ID: 1423464). For these reasons, this variant has been classified as Pathogenic.

Women's Health and Genetics/Laboratory Corporation of America, LabCorp
Classification: Likely pathogenic for ALG6-congenital disorder of glycosylation 1C. Last evaluated: 2022-05-12. Review status: criteria provided, single submitter. Criteria: LabCorp Variant Classification Summary - May 2015. Collection method: clinical testing. Allele origin: germline.
Comment: Variant summary: ALG6 c.1249delC (p.Gln417SerfsX2) results in a premature termination codon, predicted to cause a truncation of the encoded protein or absence of the protein due to nonsense mediated decay, which are commonly known mechanisms for disease. Truncations downstream of this position have been classified as pathogenic by our laboratory. The variant was absent in 243986 control chromosomes. However, c.1249delC has been reported in one individual in ExAC database. These reports do not provide unequivocal conclusions about association of the variant with Congenital Disorder Of Glycosylation Type 1C. To our knowledge, no experimental evidence demonstrating an impact on protein function has been reported. No clinical diagnostic laboratories have submitted clinical-significance assessments for this variant to ClinVar after 2014. Based on the evidence outlined above, the variant was classified as likely pathogenic.

Literature cited by the submitters: PubMed 19862844 (cited by Labcorp Genetics (formerly Invitae), Labcorp); PubMed 27287710 (cited by Women's Health and Genetics/Laboratory Corporation of America, LabCorp).

NM_013339.4(ALG6):c.1249del (p.Gln417fs)

Gene: ALG6 (ALG6 alpha-1,3-glucosyltransferase; plus strand). Cytogenetic location: 1p31.3.
Variant type: Deletion.
Coding change: c.1249del on transcript NM_013339.4 (MANE Select); coding-DNA position 1249, one base deleted (C; older notation c.1249delC).
Protein change: p.Gln417fs; shifts the reading frame from glutamine 417.
Molecular consequence: frameshift variant.
Genome position (GRCh38, 1-based): chr1:63,429,049, C deleted. VCF-style (leftmost placement, unchanged base first): chr1-63429048-GC-G. GRCh37 (hg19) VCF-style: chr1-63894719-GC-G.
Other names: short protein forms Q417fs.
Identifiers: ClinVar variation 1423464 (VCV001423464.9), dbSNP rs771069984, ClinGen allele CA888409.
Genomic context (GRCh38, chr1:63,429,048, plus strand): 5'-ATTTTTTATAGCTTGTGTAACTTCCTTTTCAATATTTGAAAAGACTTCTGAAGAAGAACT[GC>G]AGTTGAAATCCTTTTCCATTTCTGTGAGGAAATATCTTCCATGTTTTACATTTCTTTCCA-3'